The following is an entry in ClinVar:

ClinVar aggregate classification (germline): Uncertain significance (1 of 4 stars; one submission).

Submission:

GeneDx
Classification: Uncertain significance. Last evaluated: 2025-03-21. Review status: criteria provided, single submitter. Criteria: GeneDx Variant Classification Process June 2021. Collection method: clinical testing. Allele origin: germline. Affected: yes.
Comment: Not observed at significant frequency in large population cohorts (gnomAD); In silico analysis supports that this missense variant has a deleterious effect on protein structure/function; Has not been previously published as pathogenic or benign to our knowledge

NM_002474.3(MYH11):c.3462G>C (p.Glu1154Asp)

Gene: MYH11 (myosin heavy chain 11; minus strand). Cytogenetic location: 16p13.11.
Variant type: single nucleotide variant.
Coding change: c.3462G>C on transcript NM_002474.3 (MANE Select); coding-DNA position 3462, G replaced by C.
Protein change: p.Glu1154Asp; replaces glutamic acid 1154 with aspartic acid.
Molecular consequence: missense variant.
Genome position (GRCh38, 1-based): chr16:15,735,410, C>G on the plus strand (G>C on the coding strand, the complement: MYH11 is on the minus strand). VCF-style: chr16-15735410-C-G. GRCh37 (hg19) VCF-style: chr16-15829267-C-G.
Other names: c.3483G>C, p.Glu1161Asp (NM_001040113.2, NM_001040114.2); c.3462G>C, p.Glu1154Asp (NM_022844.3); short protein forms E1154D, E1161D.
Identifiers: ClinVar variation 4086411 (VCV004086411.1).